The following is an entry in ClinVar:

NM_177438.3(DICER1):c.1211G>T (p.Arg404Ile)

Gene: DICER1 (dicer 1, ribonuclease III; minus strand). Cytogenetic location: 14q32.13.
Variant type: single nucleotide variant.
Coding change: c.1211G>T on transcript NM_177438.3 (MANE Select); coding-DNA position 1211, G replaced by T.
Protein change: p.Arg404Ile; replaces arginine 404 with isoleucine.
Molecular consequence: missense variant.
Genome position (GRCh38, 1-based): chr14:95,124,361, C>A on the plus strand (G>T on the coding strand, the complement: DICER1 is on the minus strand). VCF-style: chr14-95124361-C-A. GRCh37 (hg19) VCF-style: chr14-95590698-C-A.
Other names: c.1211G>T, p.Arg404Ile (NM_001195573.1, NM_001271282.3, NM_001291628.2 and 1 more transcripts); short protein forms R404I.
Identifiers: ClinVar variation 933052 (VCV000933052.2), dbSNP rs1893205630, ClinGen allele CA390886682.

ClinVar aggregate classification (germline): Uncertain significance (1 of 4 stars; one submission).

Submission:

Foulkes Cancer Genetics LDI, Lady Davis Institute for Medical Research
Classification: Uncertain significance. Last evaluated: 2019-07-01. Review status: criteria provided, single submitter. Criteria: ACMG Guidelines, 2015. Collection method: curation. Allele origin: somatic. Affected: yes. Observed: 1 variant allele.
Comment: ACMG criteria met: PM2, BP1

Literature cited by the submitters: PubMed 30266945.